The following is an entry in ClinVar:

ClinVar aggregate classification (germline): Pathogenic. Review status: criteria provided, multiple submitters, no conflicts (2 of 4 stars). 6 submissions from 5 submitters: Pathogenic (5). 1 of the submissions does not count toward it. Last evaluated 2026-08-13.

Conditions:
Early-infantile DEE. Also called: Early infantile epileptic encephalopathy with suppression bursts; Ohtahara syndrome; Early infantile epileptic encephalopathy. Identifiers: Orphanet 1934, MedGen C0393706, MONDO:0800491.
Epilepsy. Also called: Seizure disorder. Identifiers: MedGen C0014544, MeSH D004827, MONDO:0005027.
Seizures, benign familial neonatal, 1. Also called: Seizures, benign neonatal, 1; KCNQ2-Related Benign Familial Neonatal Epilepsy; Benign Neonatal Epilepsy 1; KCNQ2-Related Self-Limited Familial Neonatal Epilepsy (SLFNE). Identifiers: Orphanet 1949, MedGen C3149074, MONDO:0007365, OMIM 121200.
Seizure. Also called: Seizures. Identifiers: MedGen C0036572, HP:0001250.

Allele frequency attached by ClinVar (database versions not stated): gnomAD exomes below 0.00001.
gnomAD v4.1: 1 of 1,613,742 alleles (0.000062%); highest among the groups gnomAD compares: Non-Finnish European, 0.000085%; no homozygotes.

Submissions (12):

Cytogénomique, Hospices Civils de Lyon
Classification: Pathogenic for Epilepsy. Last evaluated: 2026-08-13. Review status: criteria provided, single submitter. Criteria: ACMG Guidelines, 2015. Collection method: clinical testing. Allele origin: germline. Affected: yes.

Labcorp Genetics (formerly Invitae), Labcorp
Classification: Pathogenic for Early-infantile DEE. Last evaluated: 2025-10-20. Review status: criteria provided, single submitter. Criteria: Invitae Variant Classification Sherloc (09022015). Collection method: clinical testing. Allele origin: germline.
Comment: This sequence change replaces arginine, which is basic and polar, with glutamine, which is neutral and polar, at codon 333 of the KCNQ2 protein (p.Arg333Gln). This variant is present in population databases (rs118192216, gnomAD 0.0009%). This missense change has been observed in individuals with infantile seizures (PMID: 14534157, 29215089; internal data). It has also been observed to segregate with disease in related individuals. ClinVar contains an entry for this variant (Variation ID: 21810). Invitae Evidence Modeling of protein sequence and biophysical properties (such as structural, functional, and spatial information, amino acid conservation, physicochemical variation, residue mobility, and thermodynamic stability) indicates that this missense variant is expected to disrupt KCNQ2 protein function with a positive predictive value of 95%. Experimental studies have shown that this missense change affects KCNQ2 function (PMID: 14534157, 30126342). This variant disrupts the p.Arg333 amino acid residue in KCNQ2. Other variant(s) that disrupt this residue have been determined to be pathogenic (PMID: 16039833, 23621294, 23692823). This suggests that this residue is clinically significant, and that variants that disrupt this residue are likely to be disease-causing. For these reasons, this variant has been classified as Pathogenic.

GeneDx
Classification: Pathogenic. Last evaluated: 2025-06-05. Review status: criteria provided, single submitter. Criteria: GeneDx Variant Classification Process June 2021. Collection method: clinical testing. Allele origin: germline. Affected: yes.
Comment: Reported in association with benign familial neonatal seizures (BFNS) (PMID: 14534157); Published functional studies demonstrate that R333Q moderately reduces channel function (PMID: 14534157, 30126342); In silico analysis supports that this missense variant has a deleterious effect on protein structure/function; This variant is associated with the following publications: (PMID: 19380078, 31832524, 18698150, 16686649, 29215089, 33897753, 31152295, 30126342, 30669290, 33754465, 31440721, 14534157, 37596007, 38814296, 27602407)

Cytogénomique, Hospices Civils de Lyon
Classification: Pathogenic for Seizure. Last evaluated: 2025-01-10. Review status: criteria provided, single submitter. Criteria: ACMG Guidelines, 2015. Collection method: clinical testing. Allele origin: paternal. Affected: yes.

Revvity Omics, Revvity
Classification: Pathogenic. Last evaluated: 2022-11-10. Review status: criteria provided, single submitter. Criteria: ACMG Guidelines, 2015. Collection method: clinical testing. Allele origin: germline.

Channelopathy-Associated Epilepsy Research Center
No classification provided (evidence only). Condition: Complex neurodevelopmental disorder. Review status: no classification provided. Collection method: literature only. Allele origin: not applicable. Functional consequence: Moderate decrease in peak current, Normal rate of activation, Mild depolarizing shift of voltage dependence of activation. Not counted in ClinVar's aggregate classification.
ClinVar note: "not provided" was previously submitted as the classification for the variant. However, the classification appeared to be based only on an observation of functional data so it was converted to no classification on 2025-07-30.

Channelopathy-Associated Epilepsy Research Center
No classification provided (evidence only). Review status: no classification provided. Collection method: in vitro. Allele origin: not applicable. Functional consequence: Normal peak current. Not counted in ClinVar's aggregate classification.

Channelopathy-Associated Epilepsy Research Center
No classification provided (evidence only). Review status: no classification provided. Collection method: in vitro. Allele origin: not applicable. Functional consequence: Normal peak current. Not counted in ClinVar's aggregate classification.

Channelopathy-Associated Epilepsy Research Center
No classification provided (evidence only). Review status: no classification provided. Collection method: in vitro. Allele origin: not applicable. Functional consequence: Normal voltage dependence of activation. Not counted in ClinVar's aggregate classification.

Channelopathy-Associated Epilepsy Research Center
No classification provided (evidence only). Review status: no classification provided. Collection method: in vitro. Allele origin: not applicable. Functional consequence: Normal slope of activation. Not counted in ClinVar's aggregate classification.

Channelopathy-Associated Epilepsy Research Center
No classification provided (evidence only). Review status: no classification provided. Collection method: in vitro. Allele origin: not applicable. Functional consequence: Normal rate of activation. Not counted in ClinVar's aggregate classification.

GeneReviews
No classification provided. Condition: Seizures, benign familial neonatal, 1. Review status: no classification provided. Collection method: literature only. Allele origin: germline. Affected: yes. Not counted in ClinVar's aggregate classification.
Comment: BFNE (benign familial neonatal epilepsy)

Functional effect: Reduction in current amplitude; Faster rate of current deactivation

Literature cited by the submitters: PubMed 14534157 (cited by Labcorp Genetics (formerly Invitae), Labcorp and GeneReviews); PubMed 29215089 (cited by Labcorp Genetics (formerly Invitae), Labcorp); PubMed 30126342 (cited by Labcorp Genetics (formerly Invitae), Labcorp); PubMed 16039833 (cited by Labcorp Genetics (formerly Invitae), Labcorp); PubMed 23621294 (cited by Labcorp Genetics (formerly Invitae), Labcorp); PubMed 23692823 (cited by Labcorp Genetics (formerly Invitae), Labcorp); PubMed 35104249 (cited by Channelopathy-Associated Epilepsy Research Center); NCBI Bookshelf NBK32534 (cited by GeneReviews).

NM_172107.4(KCNQ2):c.998G>A (p.Arg333Gln)

Gene: KCNQ2 (potassium voltage-gated channel subfamily Q member 2; minus strand). Cytogenetic location: 20q13.33.
Variant type: single nucleotide variant.
Coding change: c.998G>A on transcript NM_172107.4 (MANE Select); coding-DNA position 998, G replaced by A.
Protein change: p.Arg333Gln; replaces arginine 333 with glutamine.
Molecular consequence: missense variant.
Genome position (GRCh38, 1-based): chr20:63,438,650, C>T on the plus strand (G>A on the coding strand, the complement: KCNQ2 is on the minus strand). VCF-style: chr20-63438650-C-T. GRCh37 (hg19) VCF-style: chr20-62070003-C-T.
Other names: c.998G>A, p.Arg333Gln (NM_004518.6, NM_172106.3, NM_172108.5 and 1 more transcripts); short protein forms R333Q.
Identifiers: ClinVar variation 21810 (VCV000021810.22), dbSNP rs118192216, ClinGen allele CA342542.